The following is an entry in ClinVar:

ClinVar aggregate classification (germline): Uncertain significance (1 of 4 stars; one submission).

Allele frequency attached by ClinVar (database versions not stated): TOPMed below 0.00001.
gnomAD v4.1: 1 of 1,612,376 alleles (0.000062%); no homozygotes.

Submission:

Labcorp Genetics (formerly Invitae), Labcorp
Classification: Uncertain significance. Last evaluated: 2023-01-06. Review status: criteria provided, single submitter. Criteria: Invitae Variant Classification Sherloc (09022015). Collection method: clinical testing. Allele origin: germline.
Comment: The frequency data for this variant in the population databases is considered unreliable, as metrics indicate poor data quality at this position in the gnomAD database. This sequence change falls in intron 8 of the PITPNM3 gene. It does not directly change the encoded amino acid sequence of the PITPNM3 protein. It affects a nucleotide within the consensus splice site. This variant has not been reported in the literature in individuals affected with PITPNM3-related conditions. In summary, the available evidence is currently insufficient to determine the role of this variant in disease. Therefore, it has been classified as a Variant of Uncertain Significance. Variants that disrupt the consensus splice site are a relatively common cause of aberrant splicing (PMID: 17576681, 9536098). Algorithms developed to predict the effect of sequence changes on RNA splicing suggest that this variant is not likely to affect RNA splicing.

Literature cited by the submitters: PubMed 17576681; PubMed 9536098.

NM_031220.4(PITPNM3):c.900+6G>A

Gene: PITPNM3 (PITPNM family member 3; minus strand). Cytogenetic location: 17p13.2.
Variant type: single nucleotide variant.
Coding change: c.900+6G>A on transcript NM_031220.4 (MANE Select); 6 bases into the intron after coding-DNA position 900, G replaced by A.
Molecular consequence: intron variant.
Genome position (GRCh38, 1-based): chr17:6,477,969, C>T on the plus strand (G>A on the coding strand, the complement: PITPNM3 is on the minus strand). VCF-style: chr17-6477969-C-T. GRCh37 (hg19) VCF-style: chr17-6381289-C-T.
Other names: c.792+6G>A (NM_001165966.2).
Identifiers: ClinVar variation 2810111 (VCV002810111.3), dbSNP rs1247923728, ClinGen allele CA624664532.